The following is an entry in ClinVar:

ClinVar aggregate classification (germline): Uncertain significance (0 of 4 stars; one submission).

Conditions:
Febrile seizures, familial, 4 (FEB4). Also called: CONVULSIONS, FAMILIAL FEBRILE, 4. Identifiers: MedGen C1858493, MONDO:0011443, OMIM 604352.

Submission:

Hong-Tao Li Lab, Institute of Brain Science and Brain-inspired Research, Shandong First Medical University & Shandong Academy of Medical Sciences China
Classification: Uncertain significance for Febrile seizures, familial, 4. Review status: no assertion criteria provided. Collection method: research. Allele origin: germline. Inheritance: Autosomal dominant inheritance. Affected: yes. Observed: 1 variant allele, 1 heterozygote.
Comment: Observed in affected individuals from a Pakistani neurodevelopmental-disorder research cohort of 263 individuals. Classification assigned using the ACMG/AMP framework.

NM_032119.4(ADGRV1):c.7945G>A (p.Gly2649Ser)

Gene: ADGRV1 (adhesion G protein-coupled receptor V1; plus strand). Cytogenetic location: 5q14.3.
Variant type: single nucleotide variant.
Coding change: c.7945G>A on transcript NM_032119.4 (MANE Select); coding-DNA position 7945, G replaced by A.
Protein change: p.Gly2649Ser; replaces glycine 2649 with serine.
Molecular consequence: missense variant. On other transcripts: non-coding transcript variant (1).
Genome position (GRCh38, 1-based): chr5:90,694,701, G>A. VCF-style: chr5-90694701-G-A. GRCh37 (hg19) VCF-style: chr5-89990518-G-A.
Other names: short protein forms G2649S.
Identifiers: ClinVar variation 4884810 (VCV004884810.1).